The following is an entry in ClinVar:

NM_001128840.3(CACNA1D):c.127C>T (p.Pro43Ser)

Gene: CACNA1D (calcium voltage-gated channel subunit alpha1 D; plus strand). Cytogenetic location: 3p21.1.
Variant type: single nucleotide variant.
Coding change: c.127C>T on transcript NM_001128840.3 (MANE Select); coding-DNA position 127, C replaced by T.
Protein change: p.Pro43Ser; replaces proline 43 with serine.
Molecular consequence: missense variant.
Genome position (GRCh38, 1-based): chr3:53,497,211, C>T. VCF-style: chr3-53497211-C-T. GRCh37 (hg19) VCF-style: chr3-53531238-C-T.
Other names: c.127C>T, p.Pro43Ser (NM_000720.4, NM_001128839.3); c.127C>T (NM_000720.2); short protein forms P43S.
Identifiers: ClinVar variation 1423297 (VCV001423297.9), dbSNP rs2107069325, ClinGen allele CA353381799.

ClinVar aggregate classification (germline): Uncertain significance. Review status: criteria provided, multiple submitters, no conflicts (2 of 4 stars). 2 submissions from 2 submitters: Uncertain significance (2). Last evaluated 2021-08-16.

Conditions:
Inborn genetic diseases. Identifiers: MedGen C0950123, MeSH D030342.

Allele frequency attached by ClinVar (database versions not stated): gnomAD exomes below 0.00001.
gnomAD v4.1: 1 of 1,614,092 alleles (0.000062%); highest among the groups gnomAD compares: Non-Finnish European, 0.000085%; no homozygotes.

Submissions (2):

Ambry Genetics
Classification: Uncertain significance for Inborn genetic diseases. Last evaluated: 2021-08-16. Review status: criteria provided, single submitter. Criteria: Ambry Variant Classification Scheme 2023. Collection method: clinical testing. Allele origin: germline.

Labcorp Genetics (formerly Invitae), Labcorp
Classification: Uncertain significance. Last evaluated: 2021-02-21. Review status: criteria provided, single submitter. Criteria: Invitae Variant Classification Sherloc (09022015). Collection method: clinical testing. Allele origin: germline.
Comment: In summary, the available evidence is currently insufficient to determine the role of this variant in disease. Therefore, it has been classified as a Variant of Uncertain Significance. Algorithms developed to predict the effect of missense changes on protein structure and function output the following: SIFT: "Tolerated"; PolyPhen-2: "Benign"; Align-GVGD: "Class C0". The serine amino acid residue is found in multiple mammalian species, suggesting that this missense change does not adversely affect protein function. These predictions have not been confirmed by published functional studies and their clinical significance is uncertain. This variant has not been reported in the literature in individuals with CACNA1D-related conditions. This variant is not present in population databases (ExAC no frequency). This sequence change replaces proline with serine at codon 43 of the CACNA1D protein (p.Pro43Ser). The proline residue is moderately conserved and there is a moderate physicochemical difference between proline and serine.